The following is an entry in ClinVar:

NM_001330078.2(NRXN1):c.3547-2A>G

Gene: NRXN1 (neurexin 1; minus strand). Cytogenetic location: 2p16.3.
Variant type: single nucleotide variant.
Coding change: c.3547-2A>G on transcript NM_001330078.2 (MANE Select); the canonical splice acceptor site of the intron before coding-DNA position 3547, A replaced by G.
Molecular consequence: splice acceptor variant.
Genome position (GRCh38, 1-based): chr2:50,091,496, T>C on the plus strand (A>G on the coding strand, the complement: NRXN1 is on the minus strand). VCF-style: chr2-50091496-T-C. GRCh37 (hg19) VCF-style: chr2-50318634-T-C.
Other names: c.3436-2A>G (NM_001330096.2, NM_001330087.2); c.3481-2A>G (NM_001330083.2, NM_001330084.2); c.3466-2A>G (NM_001330088.2); c.3544-2A>G (NM_001330093.2); c.3535-2A>G (NM_001330094.2); c.3496-2A>G (NM_001330095.2); c.3523-2A>G (NM_001330082.2, NM_001330077.2); c.3520-2A>G (NM_001330085.2); and 3 more.
Identifiers: ClinVar variation 378912 (VCV000378912.2), dbSNP rs1057520406, ClinGen allele CA16604600.

ClinVar aggregate classification (germline): Likely pathogenic (1 of 4 stars; one submission).

Submission:

GeneDx
Classification: Likely pathogenic. Last evaluated: 2016-09-27. Review status: criteria provided, single submitter. Criteria: GeneDx Variant Classification (06012015). Collection method: clinical testing. Allele origin: germline. Affected: yes.
Comment: The c.3667-2A>G pathogenic variant in the NRXN1 gene has not been reported previously as a pathogenic variant nor as a benign variant, to our knowledge. This splice site variant destroys the canonical splice acceptor site in intron 19. It is predicted to cause abnormal gene splicing, either leading to an abnormal message that is subject to nonsense-mediated mRNA decay, or to an abnormal protein product if the message is used for protein translation. The c.3667-2A>G variant was not observed in approximately 6500 individuals of European and African American ancestry in the NHLBI Exome Sequencing Project, indicating it is not a common benign variant in these populations. We interpret c.3667-2A>G as a likely pathogenic variant.